The following is an entry in ClinVar:

ClinVar aggregate classification (germline): Uncertain significance. Review status: criteria provided, multiple submitters, no conflicts (2 of 4 stars). 2 submissions from 2 submitters: Uncertain significance (2). Last evaluated 2026-04-10.

Conditions:
Alzheimer disease. Also called: Presenile and senile dementia; Alzheimer's disease. Identifiers: Orphanet 1020, MedGen C0002395, MeSH D000544, MONDO:0004975, HP:0002511.

Allele frequency attached by ClinVar (database versions not stated): gnomAD exomes 0.00002; TOPMed 0.00002.
gnomAD v4.1: 9 of 1,614,074 alleles (0.00056%); highest among the groups gnomAD compares: Admixed American, 0.015%; no homozygotes.

Submissions (2):

Women's Health and Genetics/Laboratory Corporation of America, LabCorp
Classification: Uncertain significance. Last evaluated: 2026-04-10. Review status: criteria provided, single submitter. Criteria: LabCorp Variant Classification Summary - May 2015. Collection method: clinical testing. Allele origin: germline.
Comment: Variant summary: APP c.225A>G (p.Glu75Glu) alters a conserved nucleotide located close to a canonical splice site and therefore could affect mRNA splicing, leading to a significantly altered protein sequence. Consensus agreement among computation tools predict no significant impact on normal splicing. However, these predictions have yet to be confirmed by functional studies. The variant allele was found at a frequency of 8e-06 in 251470 control chromosomes. The available data on variant occurrences in the general population are insufficient to allow any conclusion about variant significance. To our knowledge, no occurrence of c.225A>G in individuals affected with APP-related conditions and no experimental evidence demonstrating its impact on protein function have been reported. ClinVar contains an entry for this variant (Variation ID: 1981739). Based on the evidence outlined above, the variant was classified as uncertain significance.

Labcorp Genetics (formerly Invitae), Labcorp
Classification: Uncertain significance for Alzheimer disease. Last evaluated: 2024-12-09. Review status: criteria provided, single submitter. Criteria: Invitae Variant Classification Sherloc (09022015). Collection method: clinical testing. Allele origin: germline.
Comment: This sequence change affects codon 75 of the APP mRNA. It is a 'silent' change, meaning that it does not change the encoded amino acid sequence of the APP protein. It affects a nucleotide within the consensus splice site. This variant is present in population databases (no rsID available, gnomAD 0.006%). This variant has not been reported in the literature in individuals affected with APP-related conditions. ClinVar contains an entry for this variant (Variation ID: 1981739). Algorithms developed to predict the effect of sequence changes on RNA splicing suggest that this variant is not likely to affect RNA splicing. In summary, the available evidence is currently insufficient to determine the role of this variant in disease. Therefore, it has been classified as a Variant of Uncertain Significance.

NM_000484.4(APP):c.225A>G (p.Glu75=)

Gene: APP (amyloid beta precursor protein; minus strand). Cytogenetic location: 21q21.3.
Variant type: single nucleotide variant.
Coding change: c.225A>G on transcript NM_000484.4 (MANE Select); coding-DNA position 225, A replaced by G.
Protein change: p.Glu75=; no amino-acid change (glutamic acid 75 retained).
Molecular consequence: synonymous variant. On other transcripts: intron variant (2).
Genome position (GRCh38, 1-based): chr21:26,111,979, T>C on the plus strand (A>G on the coding strand, the complement: APP is on the minus strand). VCF-style: chr21-26111979-T-C. GRCh37 (hg19) VCF-style: chr21-27484296-T-C.
Other names: c.225A>G, p.Glu75= (NM_001204303.2, NM_001385253.1, NM_201413.3 and 3 more transcripts); c.58-21907A>G (NM_001136129.3, NM_001136130.3); c.210A>G, p.Glu70= (NM_001136016.3); c.120A>G, p.Glu40= (NM_001136131.3).
Identifiers: ClinVar variation 1981739 (VCV001981739.6), dbSNP rs975874117, ClinGen allele CA319565271.